The following is an entry in ClinVar:

NM_006939.4(SOS2):c.3953C>A (p.Pro1318Gln)

Gene: SOS2 (SOS Ras/Rho guanine nucleotide exchange factor 2; minus strand). Cytogenetic location: 14q21.3.
Variant type: single nucleotide variant.
Coding change: c.3953C>A on transcript NM_006939.4 (MANE Select); coding-DNA position 3953, C replaced by A.
Protein change: p.Pro1318Gln; replaces proline 1318 with glutamine.
Molecular consequence: missense variant.
Genome position (GRCh38, 1-based): chr14:50,118,390, G>T on the plus strand (C>A on the coding strand, the complement: SOS2 is on the minus strand). VCF-style: chr14-50118390-G-T. GRCh37 (hg19) VCF-style: chr14-50585108-G-T.
Other names: c.3953C>A (NM_006939.2); c.3854C>A, p.Pro1285Gln (NM_001411020.1); short protein forms P1318Q, P1285Q.
Identifiers: ClinVar variation 2758991 (VCV002758991.4), dbSNP rs1433339408, ClinGen allele CA389636815.

ClinVar aggregate classification (germline): Uncertain significance. Review status: criteria provided, multiple submitters, no conflicts (2 of 4 stars). 2 submissions from 2 submitters: Uncertain significance (2). Last evaluated 2025-06-30.

Conditions:
Cardiovascular phenotype. Identifiers: MedGen CN230736.
Noonan syndrome 9 (NS9). Identifiers: Orphanet 648, MedGen C4225282, MONDO:0014691, OMIM 616559.

Allele frequency attached by ClinVar (database versions not stated): TOPMed 0.00001; gnomAD 0.00002.
gnomAD v4.1: 5 of 1,613,460 alleles (0.00031%); highest among the groups gnomAD compares: Non-Finnish European, 0.00042%; no homozygotes.

Submissions (2):

Ambry Genetics
Classification: Uncertain significance for Cardiovascular phenotype. Last evaluated: 2025-06-30. Review status: criteria provided, single submitter. Criteria: Ambry Variant Classification Scheme 2023. Collection method: clinical testing. Allele origin: germline.

Labcorp Genetics (formerly Invitae), Labcorp
Classification: Uncertain significance for Noonan syndrome 9. Last evaluated: 2023-03-23. Review status: criteria provided, single submitter. Criteria: Invitae Variant Classification Sherloc (09022015). Collection method: clinical testing. Allele origin: germline.
Comment: In summary, the available evidence is currently insufficient to determine the role of this variant in disease. Therefore, it has been classified as a Variant of Uncertain Significance. Advanced modeling of protein sequence and biophysical properties (such as structural, functional, and spatial information, amino acid conservation, physicochemical variation, residue mobility, and thermodynamic stability) performed at Invitae indicates that this missense variant is not expected to disrupt SOS2 protein function. This variant has not been reported in the literature in individuals affected with SOS2-related conditions. This variant is not present in population databases (gnomAD no frequency). This sequence change replaces proline, which is neutral and non-polar, with glutamine, which is neutral and polar, at codon 1318 of the SOS2 protein (p.Pro1318Gln).